The following is an entry in ClinVar:

NM_000548.5(TSC2):c.3976A>T (p.Met1326Leu)

Gene: TSC2 (TSC complex subunit 2; plus strand). Cytogenetic location: 16p13.3.
Variant type: single nucleotide variant.
Coding change: c.3976A>T on transcript NM_000548.5 (MANE Select); coding-DNA position 3976, A replaced by T.
Protein change: p.Met1326Leu; replaces methionine 1326 with leucine.
Molecular consequence: missense variant. On other transcripts: non-coding transcript variant (5).
Genome position (GRCh38, 1-based): chr16:2,083,787, A>T. VCF-style: chr16-2083787-A-T. GRCh37 (hg19) VCF-style: chr16-2133788-A-T.
Other names: c.3775A>T, p.Met1259Leu (NM_001077183.3); c.3907A>T, p.Met1303Leu (NM_001114382.3); c.3667A>T, p.Met1223Leu (NM_001318827.2); c.3631A>T, p.Met1211Leu (NM_001318829.2); c.3244A>T, p.Met1082Leu (NM_001318831.2); c.3808A>T, p.Met1270Leu (NM_001318832.2); c.3778A>T, p.Met1260Leu (NM_001363528.2); c.3844A>T, p.Met1282Leu (NM_001370404.1); and 26 more; short protein forms M1059L, M1082L, M1210L, M1254L, M1260L, M725L, M855L, M1102L.
Identifiers: ClinVar variation 2759763 (VCV002759763.3), dbSNP rs2151513326, ClinGen allele CA394297576.

ClinVar aggregate classification (germline): Uncertain significance (1 of 4 stars; one submission).

Conditions:
Tuberous sclerosis 2 (TSC2). Identifiers: Orphanet 805, MedGen C1860707, MONDO:0013199, OMIM 613254.

Submission:

Labcorp Genetics (formerly Invitae), Labcorp
Classification: Uncertain significance for Tuberous sclerosis 2. Last evaluated: 2023-09-10. Review status: criteria provided, single submitter. Criteria: Invitae Variant Classification Sherloc (09022015). Collection method: clinical testing. Allele origin: germline.
Comment: This sequence change replaces methionine, which is neutral and non-polar, with leucine, which is neutral and non-polar, at codon 1326 of the TSC2 protein (p.Met1326Leu). This variant is not present in population databases (gnomAD no frequency). This variant has not been reported in the literature in individuals affected with TSC2-related conditions. Advanced modeling of protein sequence and biophysical properties (such as structural, functional, and spatial information, amino acid conservation, physicochemical variation, residue mobility, and thermodynamic stability) performed at Invitae indicates that this missense variant is not expected to disrupt TSC2 protein function. In summary, the available evidence is currently insufficient to determine the role of this variant in disease. Therefore, it has been classified as a Variant of Uncertain Significance.